The following is an entry in ClinVar:

ClinVar aggregate classification (germline): Conflicting classifications of pathogenicity. Review status: criteria provided, conflicting classifications (1 of 4 stars). 3 submissions from 3 submitters: Uncertain significance (1); Likely benign (2). Last evaluated 2024-10-05.

Conditions:
Inborn genetic diseases. Identifiers: MedGen C0950123, MeSH D030342.

Allele frequency attached by ClinVar (database versions not stated): ExAC 0.00003.
gnomAD v4.1: 11 of 1,550,106 alleles (0.00071%); highest among the groups gnomAD compares: African/African-American, 0.0043%; no homozygotes.

Submissions (3):

Labcorp Genetics (formerly Invitae), Labcorp
Classification: Likely benign. Last evaluated: 2024-10-05. Review status: criteria provided, single submitter. Criteria: Invitae Variant Classification Sherloc (09022015). Collection method: clinical testing. Allele origin: germline.

Blueprint Genetics
Classification: Likely benign. Last evaluated: 2021-06-30. Review status: criteria provided, single submitter. Criteria: ACMG Guidelines, 2015. Collection method: clinical testing. Allele origin: germline.

Ambry Genetics
Classification: Uncertain significance for Inborn genetic diseases. Last evaluated: 2021-01-15. Review status: criteria provided, single submitter. Criteria: Ambry Variant Classification Scheme 2023. Collection method: clinical testing. Allele origin: germline.
Comment: The c.540-5G>A intronic alteration consists of a G to A substitution 5 nucleotides before exon 5 (coding exon 5) of the CUL3 gene. Based on insufficient or conflicting evidence, the clinical significance of this alteration remains unclear.

NM_003590.5(CUL3):c.540-5G>A

Gene: CUL3 (cullin 3; minus strand). Cytogenetic location: 2q36.2.
Variant type: single nucleotide variant.
Coding change: c.540-5G>A on transcript NM_003590.5 (MANE Select); 5 bases into the intron before coding-DNA position 540, G replaced by A.
Molecular consequence: intron variant.
Genome position (GRCh38, 1-based): chr2:224,513,643, C>T on the plus strand (G>A on the coding strand, the complement: CUL3 is on the minus strand). VCF-style: chr2-224513643-C-T. GRCh37 (hg19) VCF-style: chr2-225378360-C-T.
Other names: c.342-5G>A (NM_001257197.2); c.558-5G>A (NM_001257198.2).
Identifiers: ClinVar variation 2228978 (VCV002228978.5), dbSNP rs747752633, ClinGen allele CA2140166.